The following is an entry in ClinVar:

NC_000016.9:g.(?_78133676)_(79633799_?)del

Genes: MAF (MAF bZIP transcription factor; minus strand), WWOX (WW domain containing oxidoreductase; plus strand). Cytogenetic location: 16q23.1-23.2.
Variant type: Deletion.
Identifiers: ClinVar variation 2426299 (VCV002426299.6).

ClinVar aggregate classification (germline): Pathogenic (1 of 4 stars; one submission).

Conditions:
Autosomal recessive spinocerebellar ataxia 12. Also called: SPINOCEREBELLAR ATAXIA WITH MENTAL RETARDATION AND EPILEPSY. Identifiers: Orphanet 284282, MedGen C3280452, MONDO:0013687, OMIM 614322.
Developmental and epileptic encephalopathy, 1 (DEE1). Also called: Epileptic encephalopathy, early infantile, 1; INFANTILE SPASM SYNDROME, X-LINKED 1; X-linked infantile spasms; West's syndrome; Tonic spasms with clustering, arrest of psychomotor development and hypsarrhythmia on EEG; X-Linked Infantile Spasm Syndrome. Identifiers: MedGen C3463992, MONDO:0010632, OMIM 308350. Disease mechanism: loss of function.

Submission:

Labcorp Genetics (formerly Invitae), Labcorp
Classification: Pathogenic for Developmental and epileptic encephalopathy, 1; Autosomal recessive spinocerebellar ataxia 12. Last evaluated: 2022-04-01. Review status: criteria provided, single submitter. Criteria: Invitae Variant Classification Sherloc (09022015). Collection method: clinical testing. Allele origin: germline.
Comment: For these reasons, this variant has been classified as Pathogenic. Isolated whole-gene deletions of WWOX have not been reported in the literature. However, larger copy number events that include this gene have been reported (PMID: 25411445). A gross deletion of the genomic region encompassing the full coding sequence of the WWOX gene has been identified. Loss-of-function variants in WWOX are known to be pathogenic (PMID: 24456803, 25411445). The boundaries of this event are unknown as they extend beyond the assayed region for this gene and therefore may encompass additional genes.

Literature cited by the submitters: PubMed 25411445; PubMed 24456803.